The following is an entry in ClinVar:

ClinVar aggregate classification (germline): Conflicting classifications of pathogenicity. Review status: criteria provided, conflicting classifications (1 of 4 stars). 4 submissions from 4 submitters: Uncertain significance (1); Likely benign (2). 1 of the submissions does not count toward it. Last evaluated 2024-11-11.

Conditions:
Propionic acidemia (PROP). Also called: GLYCINEMIA, KETOTIC; HYPERGLYCINEMIA WITH KETOACIDOSIS AND LEUKOPENIA; KETOTIC HYPERGLYCINEMIA. Identifiers: Orphanet 35, MedGen C0268579, MONDO:0011628, OMIM 606054, HP:0003571.
Inborn genetic diseases. Identifiers: MedGen C0950123, MeSH D030342.

Allele frequency attached by ClinVar (database versions not stated): ExAC 0.00001; gnomAD 0.00001; TOPMed 0.00001.
gnomAD v4.1: 8 of 1,609,072 alleles (0.0005%); highest among the groups gnomAD compares: East Asian, 0.0045%; no homozygotes.

Submissions (4):

Blueprint Genetics
Classification: Likely benign. Last evaluated: 2024-11-11. Review status: criteria provided, single submitter. Criteria: ACMG Guidelines, 2015. Collection method: clinical testing. Allele origin: germline.

Ambry Genetics
Classification: Likely benign for Inborn genetic diseases. Last evaluated: 2024-10-01. Review status: criteria provided, single submitter. Criteria: Ambry Variant Classification Scheme 2023. Collection method: clinical testing. Allele origin: germline.

Labcorp Genetics (formerly Invitae), Labcorp
Classification: Uncertain significance for Propionic acidemia. Last evaluated: 2022-08-05. Review status: criteria provided, single submitter. Criteria: Invitae Variant Classification Sherloc (09022015). Collection method: clinical testing. Allele origin: germline.
Comment: This sequence change replaces valine, which is neutral and non-polar, with isoleucine, which is neutral and non-polar, at codon 68 of the PCCA protein (p.Val68Ile). This variant is present in population databases (rs768750176, gnomAD no frequency). This variant has not been reported in the literature in individuals affected with PCCA-related conditions. ClinVar contains an entry for this variant (Variation ID: 568000). Advanced modeling of protein sequence and biophysical properties (such as structural, functional, and spatial information, amino acid conservation, physicochemical variation, residue mobility, and thermodynamic stability) performed at Invitae indicates that this missense variant is not expected to disrupt PCCA protein function. In summary, the available evidence is currently insufficient to determine the role of this variant in disease. Therefore, it has been classified as a Variant of Uncertain Significance.

Natera, Inc.
Classification: Uncertain significance for Propionic acidemia. Last evaluated: 2020-03-17. Review status: no assertion criteria provided. Collection method: clinical testing. Allele origin: germline. Not counted in ClinVar's aggregate classification.

NM_000282.4(PCCA):c.202G>A (p.Val68Ile)

Gene: PCCA (propionyl-CoA carboxylase subunit alpha; plus strand). Cytogenetic location: 13q32.3.
Variant type: single nucleotide variant.
Coding change: c.202G>A on transcript NM_000282.4 (MANE Select); coding-DNA position 202, G replaced by A.
Protein change: p.Val68Ile; replaces valine 68 with isoleucine.
Molecular consequence: missense variant. On other transcripts: 5 prime UTR variant (3), non-coding transcript variant (5).
Genome position (GRCh38, 1-based): chr13:100,111,859, G>A. VCF-style: chr13-100111859-G-A. GRCh37 (hg19) VCF-style: chr13-100764113-G-A.
Other names: c.124G>A, p.Val42Ile (NM_001127692.3, NM_001352607.2, NM_001352608.2); c.202G>A, p.Val68Ile (NM_001178004.2, NM_001352605.2, NM_001352606.2 and 1 more transcripts); c.-665G>A (NM_001352610.2, NM_001352611.2, NM_001352612.2); short protein forms V68I, V42I.
Identifiers: ClinVar variation 568000 (VCV000568000.8), dbSNP rs768750176, ClinGen allele CA7033136.
Genomic context (GRCh38, chr13:100,111,859, plus strand): 5'-AAAAGTAACAATTTCTAATGAATGTGTTTTTTCTCTCTTCAGACTTTTGATAAAATTCTT[G>A]TTGCTAATAGAGGAGAAATTGCATGTCGGGTGAGTAGAATTTTCGTCTTATTTTCCATTT-3'
Protein context (NP_000273.2, residues 58-78): PNEKTFDKIL[Val68Ile]ANRGEIACRV